The following is an entry in ClinVar:

ClinVar aggregate classification (germline): Uncertain significance (1 of 4 stars; one submission).

Conditions:
Cornelia de Lange syndrome 4 (CDLS4). Also called: RAD21-Related Cornelia de Lange Syndrome; CORNELIA DE LANGE SYNDROME 4 WITH OR WITHOUT MIDLINE BRAIN DEFECTS. Identifiers: Orphanet 199, MedGen C3553517, MONDO:0013864, OMIM 614701.

Allele frequency attached by ClinVar (database versions not stated): gnomAD exomes below 0.00001.
gnomAD v4.1: 1 of 1,611,398 alleles (0.000062%); highest among the groups gnomAD compares: Admixed American, 0.0017%; no homozygotes.

Submission:

Labcorp Genetics (formerly Invitae), Labcorp
Classification: Uncertain significance for Cornelia de Lange syndrome 4. Last evaluated: 2022-11-07. Review status: criteria provided, single submitter. Criteria: Invitae Variant Classification Sherloc (09022015). Collection method: clinical testing. Allele origin: germline.
Comment: In summary, the available evidence is currently insufficient to determine the role of this variant in disease. Therefore, it has been classified as a Variant of Uncertain Significance. Algorithms developed to predict the effect of missense changes on protein structure and function are either unavailable or do not agree on the potential impact of this missense change (SIFT: "Deleterious"; PolyPhen-2: "Benign"; Align-GVGD: "Class C15"). This variant has not been reported in the literature in individuals affected with RAD21-related conditions. This variant is not present in population databases (gnomAD no frequency). This sequence change replaces glycine, which is neutral and non-polar, with aspartic acid, which is acidic and polar, at codon 161 of the RAD21 protein (p.Gly161Asp).

NM_006265.3(RAD21):c.482G>A (p.Gly161Asp)

Gene: RAD21 (RAD21 cohesin complex component; minus strand). Cytogenetic location: 8q24.11.
Variant type: single nucleotide variant.
Coding change: c.482G>A on transcript NM_006265.3 (MANE Select); coding-DNA position 482, G replaced by A.
Protein change: p.Gly161Asp; replaces glycine 161 with aspartic acid.
Molecular consequence: missense variant.
Genome position (GRCh38, 1-based): chr8:116,857,473, C>T on the plus strand (G>A on the coding strand, the complement: RAD21 is on the minus strand). VCF-style: chr8-116857473-C-T. GRCh37 (hg19) VCF-style: chr8-117869712-C-T.
Other names: short protein forms G161D.
Identifiers: ClinVar variation 2002293 (VCV002002293.4), dbSNP rs2537297912, ClinGen allele CA372007059.